The following is an entry in ClinVar:

NM_031471.6(FERMT3):c.1454A>G (p.Asn485Ser)

Gene: FERMT3 (FERM domain containing kindlin 3; plus strand). Cytogenetic location: 11q13.1.
Variant type: single nucleotide variant.
Coding change: c.1454A>G on transcript NM_031471.6 (MANE Select); coding-DNA position 1454, A replaced by G.
Protein change: p.Asn485Ser; replaces asparagine 485 with serine.
Molecular consequence: missense variant.
Genome position (GRCh38, 1-based): chr11:64,220,578, A>G. VCF-style: chr11-64220578-A-G. GRCh37 (hg19) VCF-style: chr11-63988050-A-G.
Other names: c.1454A>G, p.Asn485Ser (NM_001382361.1, NM_001382448.1); c.1466A>G, p.Asn489Ser (NM_001382362.1, NM_178443.3); c.914A>G, p.Asn305Ser (NM_001382363.1); c.926A>G, p.Asn309Ser (NM_001382364.1); short protein forms N489S, N485S, N309S, N305S.
Identifiers: ClinVar variation 3018134 (VCV003018134.3), dbSNP rs2134886036, ClinGen allele CA381087947.
Genomic context (GRCh38, chr11:64,220,578, plus strand): 5'-AGGTGCAGGCCATCCTGGCCTTCCTCAGCCTGCAGCGCACGGGCAGTGGGGGCCCGGGCA[A>G]CCACCCCCACGGCCCTGATGCCTCTGCCGAGGGCCTCAACCCCTACGGCCTCGTTGCCCC-3'
Protein context (NP_113659.3, residues 475-495): LQRTGSGGPG[Asn485Ser]HPHGPDASAE

ClinVar aggregate classification (germline): Uncertain significance (1 of 4 stars; one submission).

Conditions:
Leukocyte adhesion deficiency 3. Also called: INTEGRIN ACTIVATION DEFICIENCY DISEASE; LEUKOCYTE ADHESION DEFICIENCY 1 VARIANT; Leukocyte adhesion deficiency, type III. Identifiers: Orphanet 2968, Orphanet 99844, MedGen C2748536, MONDO:0013016, OMIM 612840.

Submission:

Labcorp Genetics (formerly Invitae), Labcorp
Classification: Uncertain significance for Leukocyte adhesion deficiency 3. Last evaluated: 2023-05-05. Review status: criteria provided, single submitter. Criteria: Invitae Variant Classification Sherloc (09022015). Collection method: clinical testing. Allele origin: germline.
Comment: In summary, the available evidence is currently insufficient to determine the role of this variant in disease. Therefore, it has been classified as a Variant of Uncertain Significance. Algorithms developed to predict the effect of missense changes on protein structure and function output the following: SIFT: "Not Available"; PolyPhen-2: "Benign"; Align-GVGD: "Not Available". The serine amino acid residue is found in multiple mammalian species, which suggests that this missense change does not adversely affect protein function. This variant has not been reported in the literature in individuals affected with FERMT3-related conditions. This variant is not present in population databases (gnomAD no frequency). This sequence change replaces asparagine, which is neutral and polar, with serine, which is neutral and polar, at codon 485 of the FERMT3 protein (p.Asn485Ser).